The following is an entry in ClinVar:

NM_002528.7(NTHL1):c.12G>C (p.Leu4Phe)

Gene: NTHL1 (nth like DNA glycosylase 1; minus strand). Cytogenetic location: 16p13.3.
Variant type: single nucleotide variant.
Coding change: c.12G>C on transcript NM_002528.7 (MANE Select); coding-DNA position 12, G replaced by C.
Protein change: p.Leu4Phe; replaces leucine 4 with phenylalanine.
Molecular consequence: missense variant. On other transcripts: 5 prime UTR variant (1).
Genome position (GRCh38, 1-based): chr16:2,047,812, C>G on the plus strand (G>C on the coding strand, the complement: NTHL1 is on the minus strand). VCF-style: chr16-2047812-C-G. GRCh37 (hg19) VCF-style: chr16-2097813-C-G.
Other names: c.36G>C (NM_002528.5); c.12G>C, p.Leu4Phe (NM_001318193.2); c.-167G>C (NM_001318194.2); short protein forms L4F.
Identifiers: ClinVar variation 1024310 (VCV001024310.9), dbSNP rs2084530050, ClinGen allele CA394298665.
Genomic context (GRCh38, chr16:2,047,812, plus strand): 5'-ACACCCCCGCGGCCCAGCCCCGGGTCCCAGGCTCCGGCTCCGGGTCAGCATCCTCGCGCT[C>G]AAGGCGGTCATGCCGGACTCCTGCGGACTACACATCCCGGCGGCCCATGCGGCCCCGTCA-3'
Protein context (NP_002519.2, residues 1-14): MTA[Leu4Phe]SARMLTRSRS

ClinVar aggregate classification (germline): Uncertain significance. Review status: criteria provided, multiple submitters, no conflicts (2 of 4 stars). 2 submissions from 2 submitters: Uncertain significance (2). Last evaluated 2025-02-06.

Submissions (2):

GeneDx
Classification: Uncertain significance. Last evaluated: 2025-02-06. Review status: criteria provided, single submitter. Criteria: GeneDx Variant Classification Process June 2021. Collection method: clinical testing. Allele origin: germline. Affected: yes.
Comment: Not observed at significant frequency in large population cohorts (gnomAD); In silico analysis indicates that this missense variant does not alter protein structure/function; Has not been previously published as pathogenic or benign to our knowledge

Labcorp Genetics (formerly Invitae), Labcorp
Classification: Uncertain significance. Last evaluated: 2022-05-26. Review status: criteria provided, single submitter. Criteria: Invitae Variant Classification Sherloc (09022015). Collection method: clinical testing. Allele origin: germline.
Comment: In summary, the available evidence is currently insufficient to determine the role of this variant in disease. Therefore, it has been classified as a Variant of Uncertain Significance. Algorithms developed to predict the effect of missense changes on protein structure and function are either unavailable or do not agree on the potential impact of this missense change (SIFT: "Not Available"; PolyPhen-2: "Benign"; Align-GVGD: "Not Available"). ClinVar contains an entry for this variant (Variation ID: 1024310). This variant has not been reported in the literature in individuals affected with NTHL1-related conditions. This variant is not present in population databases (gnomAD no frequency). This sequence change replaces leucine, which is neutral and non-polar, with phenylalanine, which is neutral and non-polar, at codon 12 of the NTHL1 protein (p.Leu12Phe).